The following is an entry in ClinVar:

NM_013275.6(ANKRD11):c.3231A>G (p.Lys1077=)

Gene: ANKRD11 (ankyrin repeat domain 11; minus strand). Cytogenetic location: 16q24.3.
Variant type: single nucleotide variant.
Coding change: c.3231A>G on transcript NM_013275.6 (MANE Select); coding-DNA position 3231, A replaced by G.
Protein change: p.Lys1077=; no amino-acid change (lysine 1077 retained).
Molecular consequence: synonymous variant.
Genome position (GRCh38, 1-based): chr16:89,283,311, T>C on the plus strand (A>G on the coding strand, the complement: ANKRD11 is on the minus strand). VCF-style: chr16-89283311-T-C. GRCh37 (hg19) VCF-style: chr16-89349719-T-C.
Other names: c.3231A>G, p.Lys1077= (NM_001256182.2, NM_001256183.2).
Identifiers: ClinVar variation 2672669 (VCV002672669.24), dbSNP rs757243593, ClinGen allele CA8242401.
Genomic context (GRCh38, chr16:89,283,311, plus strand): 5'-TTCTGAGATGATCCCAGGGAAAGCCTTCTCCTTCTTCTCTTTCCCTTGGTCGAGAGACGC[T>C]TTCCTTTCTTTGTCTTTGCCATGTGTGTCTTTATGTTTTTCCTTGGTATCTTTTTTCTCT-3'
Protein context (NP_037407.4, residues 1067-1087): KDTHGKDKER[Lys1077=]ASLDQGKEKK

ClinVar aggregate classification (germline): Likely benign. Review status: criteria provided, multiple submitters, no conflicts (2 of 4 stars). 2 submissions from 2 submitters: Likely benign (2). Last evaluated 2025-09-23.

Conditions:
KBG syndrome (KBGS). Also called: ANKRD11-Related KBG Syndrome. Identifiers: Orphanet 2332, MedGen C0220687, MONDO:0007846, OMIM 148050.

Allele frequency attached by ClinVar (database versions not stated): gnomAD exomes below 0.00001; TOPMed below 0.00001; ExAC 0.00002.
gnomAD v4.1: 1 of 1,614,072 alleles (0.000062%); highest among the groups gnomAD compares: Non-Finnish European, 0.000085%; no homozygotes.

Submissions (2):

Labcorp Genetics (formerly Invitae), Labcorp
Classification: Likely benign for KBG syndrome. Last evaluated: 2025-09-23. Review status: criteria provided, single submitter. Criteria: Invitae Variant Classification Sherloc (09022015). Collection method: clinical testing. Allele origin: germline.

CeGaT Center for Human Genetics Tuebingen
Classification: Likely benign. Last evaluated: 2023-11-01. Review status: criteria provided, single submitter. Criteria: CeGaT Center For Human Genetics Tuebingen Variant Classification Criteria Version 2. Collection method: clinical testing. Allele origin: germline. Affected: yes. Observed: 1 variant allele.
Comment: ANKRD11: BP4, BP7